The following is an entry in ClinVar:

ClinVar aggregate classification (germline): Uncertain significance (1 of 4 stars; one submission).

Submission:

Dasa
Classification: Uncertain significance. Last evaluated: 2024-12-03. Review status: criteria provided, single submitter. Criteria: DASA Assertion Criteria. Collection method: clinical testing. Allele origin: germline.
Comment: NM_006766.5(KAT6A):c.565C>T (p.Pro189Ser) is a missense variant that results in the substitution of proline with serine. Multiple computational predictions support a deleterious effect on the gene or gene product. The variant is present at low frequency in population datasets. Based on the available data, this variant is classified as variant of uncertain significance.

NM_006766.5(KAT6A):c.565C>T (p.Pro189Ser)

Gene: KAT6A (lysine acetyltransferase 6A; minus strand). Cytogenetic location: 8p11.21.
Variant type: single nucleotide variant.
Coding change: c.565C>T on transcript NM_006766.5 (MANE Select); coding-DNA position 565, C replaced by T.
Protein change: p.Pro189Ser; replaces proline 189 with serine.
Molecular consequence: missense variant.
Genome position (GRCh38, 1-based): chr8:42,048,413, G>A on the plus strand (C>T on the coding strand, the complement: KAT6A is on the minus strand). VCF-style: chr8-42048413-G-A. GRCh37 (hg19) VCF-style: chr8-41905931-G-A.
Other names: c.565C>T, p.Pro189Ser (NM_001305878.2); short protein forms P189S.
Identifiers: ClinVar variation 4851809 (VCV004851809.1).
Genomic context (GRCh38, chr8:42,048,413, plus strand): 5'-ACCCCGAAGCATATGCCATTCTTACCTTATCCTTTTCATGTGGAAGAAGGGACACTGGAG[G>A]TAAACAGGAAAGAGACTCACAACTCTCTTTCCCATCCACGTTGGTTGCTTTAGTGTTGAG-3'
Protein context (NP_006757.2, residues 179-199): KESCESLSCL[Pro189Ser]PVSLLPHEKD